The following is an entry in ClinVar:

ClinVar aggregate classification (germline): Uncertain significance (1 of 4 stars; one submission).

Conditions:
Peroxisome biogenesis disorder 7A (Zellweger). Also called: Peroxisome biogenesis disorder 7A. Identifiers: Orphanet 912, MedGen C3888385, MONDO:0013938, OMIM 614872.
Peroxisome biogenesis disorder 7B (PBD7B). Identifiers: Orphanet 44, MedGen C3553951, MONDO:0013939, OMIM 614873.

Allele frequency attached by ClinVar (database versions not stated): gnomAD exomes below 0.00001.
gnomAD v4.1: 3 of 1,614,146 alleles (0.00019%); highest among the groups gnomAD compares: African/African-American, 0.0013%; no homozygotes.

Submission:

Labcorp Genetics (formerly Invitae), Labcorp
Classification: Uncertain significance for Peroxisome biogenesis disorder 7A (Zellweger); Peroxisome biogenesis disorder 7B. Last evaluated: 2022-07-05. Review status: criteria provided, single submitter. Criteria: Invitae Variant Classification Sherloc (09022015). Collection method: clinical testing. Allele origin: germline.
Comment: This sequence change replaces proline, which is neutral and non-polar, with serine, which is neutral and polar, at codon 233 of the PEX26 protein (p.Pro233Ser). This variant is present in population databases (no rsID available, gnomAD 0.0009%). This variant has not been reported in the literature in individuals affected with PEX26-related conditions. ClinVar contains an entry for this variant (Variation ID: 1402086). Algorithms developed to predict the effect of missense changes on protein structure and function are either unavailable or do not agree on the potential impact of this missense change (SIFT: "Deleterious"; PolyPhen-2: "Benign"; Align-GVGD: "Class C0"). In summary, the available evidence is currently insufficient to determine the role of this variant in disease. Therefore, it has been classified as a Variant of Uncertain Significance.

NM_001127649.3(PEX26):c.697C>T (p.Pro233Ser)

Gene: PEX26 (peroxisomal biogenesis factor 26; plus strand). Cytogenetic location: 22q11.21.
Variant type: single nucleotide variant.
Coding change: c.697C>T on transcript NM_001127649.3 (MANE Select); coding-DNA position 697, C replaced by T.
Protein change: p.Pro233Ser; replaces proline 233 with serine.
Molecular consequence: missense variant. On other transcripts: intron variant (1).
Genome position (GRCh38, 1-based): chr22:18,085,141, C>T. VCF-style: chr22-18085141-C-T. GRCh37 (hg19) VCF-style: chr22-18567907-C-T.
Other names: c.697C>T, p.Pro233Ser (NM_017929.6); c.667+1409C>T (NM_001199319.2); short protein forms P233S.
Identifiers: ClinVar variation 1402086 (VCV001402086.5), dbSNP rs1488593497, ClinGen allele CA410268513.